The following is an entry in ClinVar:

NM_000264.5(PTCH1):c.240A>C (p.Arg80Ser)

Gene: PTCH1 (patched 1; minus strand). Cytogenetic location: 9q22.32.
Variant type: single nucleotide variant.
Coding change: c.240A>C on transcript NM_000264.5 (MANE Select); coding-DNA position 240, A replaced by C.
Protein change: p.Arg80Ser; replaces arginine 80 with serine.
Molecular consequence: missense variant. On other transcripts: 5 prime UTR variant (4), non-coding transcript variant (1).
Genome position (GRCh38, 1-based): chr9:95,506,561, T>G on the plus strand (A>C on the coding strand, the complement: PTCH1 is on the minus strand). VCF-style: chr9-95506561-T-G. GRCh37 (hg19) VCF-style: chr9-98268843-T-G.
Other names: c.42A>C, p.Arg14Ser (NM_001083602.3, NM_001354919.2); c.237A>C, p.Arg79Ser (NM_001083603.3); c.-214A>C (NM_001083604.3, NM_001083605.3, NM_001083606.3 and 1 more transcripts); c.240A>C, p.Arg80Ser (NM_001354918.2); short protein forms R14S, R79S, R80S.
Identifiers: ClinVar variation 1790844 (VCV001790844.3), dbSNP rs2118880441, ClinGen allele CA374120601.
Genomic context (GRCh38, chr9:95,506,561, plus strand): 5'-CTTGCCGCAGTTTTTTTGAATGTAACAACCCAGTTTAAATAAGAGTCTCTGAAACTTCGC[T>G]CTCAGCCACAGCGGCGCTTTCCGGCCAGTAGCCTTCCCCTGGGGACGAAGCAGAAGGGAG-3'
Protein context (NP_000255.2, residues 70-90): ATGRKAPLWL[Arg80Ser]AKFQRLLFKL

ClinVar aggregate classification (germline): Uncertain significance (1 of 4 stars; one submission).

Conditions:
Hereditary cancer-predisposing syndrome. Also called: Hereditary Cancer Syndrome; Hereditary neoplastic syndrome; Tumor predisposition; Neoplastic Syndromes, Hereditary. Identifiers: Orphanet 140162, MedGen C0027672, MeSH D009386, MONDO:0015356.

Submission:

Ambry Genetics
Classification: Uncertain significance for Hereditary cancer-predisposing syndrome. Last evaluated: 2024-08-29. Review status: criteria provided, single submitter. Criteria: Ambry Variant Classification Scheme 2023. Collection method: clinical testing. Allele origin: germline.
Comment: The p.R80S variant (also known as c.240A>C), located in coding exon 2 of the PTCH1 gene, results from an A to C substitution at nucleotide position 240. The arginine at codon 80 is replaced by serine, an amino acid with dissimilar properties. This amino acid position is highly conserved in available vertebrate species. In addition, this alteration is predicted to be deleterious by in silico analysis. Based on the available evidence, the clinical significance of this variant remains unclear.